The following is an entry in ClinVar:

ClinVar aggregate classification (germline): Likely pathogenic (1 of 4 stars; one submission).

Conditions:
Wilson disease (WND). Also called: Wilson's disease. Identifiers: Orphanet 905, MedGen C0019202, MONDO:0010200, OMIM 277900. Disease mechanism: loss of function.

Submission:

Dr. Moinak Lab, Sanjay Gandhi Postgraduate Institute of Medical Sciences
Classification: Likely pathogenic for Wilson disease. Last evaluated: 2024-04-29. Review status: criteria provided, single submitter. Criteria: ACMG Guidelines, 2015. Collection method: clinical testing. Allele origin: germline. Inheritance: Autosomal recessive inheritance. Affected: yes. Observed: 1 compound heterozygote.
Comment: ATP7B: c.3700dup is a novel frameshift variant involving a single-nucleotide duplication in exon 18.

Literature cited by the submitters: PubMed 20301685.

NM_000053.4(ATP7B):c.3700dup

Gene: ATP7B (ATPase copper transporting beta; minus strand). Cytogenetic location: 13q14.3.
Variant type: Duplication.
Coding change: c.3700dup on transcript NM_000053.4 (MANE Select); coding-DNA position 3700, one base duplicated (G; older notation c.3700dupG).
Molecular consequence: splice acceptor variant. On other transcripts: intron variant (1).
Genome position (GRCh38, 1-based): chr13:51,937,679, C duplicated on the plus strand (G on the coding strand, the reverse complement: ATP7B is on the minus strand); the first of 2 consecutive C bases (chr13:51,937,679-51,937,680); duplicating either gives the same sequence. VCF-style (leftmost placement, unchanged base first): chr13-51937678-A-AC. GRCh37 (hg19) VCF-style: chr13-52511814-A-AC.
Other names: c.3700-286dup (NM_001406526.1).
Identifiers: ClinVar variation 4528914 (VCV004528914.1).